The following is an entry in ClinVar:

ClinVar aggregate classification (germline): Uncertain significance. Review status: criteria provided, multiple submitters, no conflicts (2 of 4 stars). 2 submissions from 2 submitters: Uncertain significance (2). Last evaluated 2022-08-10.

Allele frequency attached by ClinVar (database versions not stated): ExAC 0.00001; gnomAD exomes 0.00001.
gnomAD v4.1: 4 of 1,612,634 alleles (0.00025%); highest among the groups gnomAD compares: South Asian, 0.0033%; no homozygotes.

Submissions (2):

Labcorp Genetics (formerly Invitae), Labcorp
Classification: Uncertain significance. Last evaluated: 2022-08-10. Review status: criteria provided, single submitter. Criteria: Invitae Variant Classification Sherloc (09022015). Collection method: clinical testing. Allele origin: germline.
Comment: In summary, the available evidence is currently insufficient to determine the role of this variant in disease. Therefore, it has been classified as a Variant of Uncertain Significance. This variant is present in population databases (rs782273341, gnomAD 0.003%). Algorithms developed to predict the effect of missense changes on protein structure and function are either unavailable or do not agree on the potential impact of this missense change (SIFT: "Deleterious"; PolyPhen-2: "Benign"; Align-GVGD: "Class C0"). This variant has not been reported in the literature in individuals affected with RBP3-related conditions. This sequence change replaces lysine, which is basic and polar, with glutamic acid, which is acidic and polar, at codon 735 of the RBP3 protein (p.Lys735Glu).

Blueprint Genetics
Classification: Uncertain significance. Last evaluated: 2020-11-17. Review status: criteria provided, single submitter. Criteria: ACMG Guidelines, 2015. Collection method: clinical testing. Allele origin: germline.

NM_002900.3(RBP3):c.2203A>G (p.Lys735Glu)

Gene: RBP3 (retinol binding protein 3; plus strand). Cytogenetic location: 10q11.22.
Variant type: single nucleotide variant.
Coding change: c.2203A>G on transcript NM_002900.3 (MANE Select); coding-DNA position 2203, A replaced by G.
Protein change: p.Lys735Glu; replaces lysine 735 with glutamic acid.
Molecular consequence: missense variant.
Genome position (GRCh38, 1-based): chr10:47,350,687, A>G. VCF-style: chr10-47350687-A-G. GRCh37 (hg19) VCF-style: chr10-48388675-T-C.
Other names: short protein forms K735E.
Identifiers: ClinVar variation 2070057 (VCV002070057.4), dbSNP rs782273341, ClinGen allele CA5487335.